The following is an entry in ClinVar:

NM_001080421.3(UNC13A):c.2205C>T (p.Ser735=)

Gene: UNC13A (unc-13 homolog A; minus strand). Cytogenetic location: 19p13.11.
Variant type: single nucleotide variant.
Coding change: c.2205C>T on transcript NM_001080421.3 (MANE Select); coding-DNA position 2205, C replaced by T.
Protein change: p.Ser735=; no amino-acid change (serine 735 retained).
Molecular consequence: synonymous variant.
Genome position (GRCh38, 1-based): chr19:17,645,825, G>A on the plus strand (C>T on the coding strand, the complement: UNC13A is on the minus strand). VCF-style: chr19-17645825-G-A. GRCh37 (hg19) VCF-style: chr19-17756634-G-A.
Other names: p.Ser735=; c.2199C>T, p.Ser733= (NM_001387021.1, NM_001387022.1, NM_001387023.1).
Identifiers: ClinVar variation 4684356 (VCV004684356.1).

ClinVar aggregate classification (germline): Likely benign (1 of 4 stars; one submission).

gnomAD v4.1: 35 of 1,610,780 alleles (0.0022%); highest among the groups gnomAD compares: East Asian, 0.0045%; no homozygotes.

Submission:

Mayo Clinic Laboratories, Mayo Clinic
Classification: Likely benign. Last evaluated: 2025-09-24. Review status: criteria provided, single submitter. Criteria: ACMG Guidelines, 2015. Collection method: clinical testing. Allele origin: germline. Observed: 1 variant allele.
Comment: BP4, BP7